The following is an entry in ClinVar:

ClinVar aggregate classification (germline): Uncertain significance (1 of 4 stars; one submission).

Conditions:
Peroxisome biogenesis disorder 7A (Zellweger). Also called: Peroxisome biogenesis disorder 7A. Identifiers: Orphanet 912, MedGen C3888385, MONDO:0013938, OMIM 614872.
Peroxisome biogenesis disorder 7B (PBD7B). Identifiers: Orphanet 44, MedGen C3553951, MONDO:0013939, OMIM 614873.

gnomAD v4.1: 1 of 1,613,094 alleles (0.000062%); highest among the groups gnomAD compares: Non-Finnish European, 0.000085%; no homozygotes.

Submission:

Labcorp Genetics (formerly Invitae), Labcorp
Classification: Uncertain significance for Peroxisome biogenesis disorder 7A (Zellweger); Peroxisome biogenesis disorder 7B. Last evaluated: 2022-07-19. Review status: criteria provided, single submitter. Criteria: Invitae Variant Classification Sherloc (09022015). Collection method: clinical testing. Allele origin: germline.
Comment: Algorithms developed to predict the effect of missense changes on protein structure and function (SIFT, PolyPhen-2, Align-GVGD) all suggest that this variant is likely to be tolerated. This variant has not been reported in the literature in individuals affected with PEX26-related conditions. This variant is not present in population databases (gnomAD no frequency). This sequence change replaces histidine, which is basic and polar, with tyrosine, which is neutral and polar, at codon 278 of the PEX26 protein (p.His278Tyr). In summary, the available evidence is currently insufficient to determine the role of this variant in disease. Therefore, it has been classified as a Variant of Uncertain Significance.

NM_001127649.3(PEX26):c.832C>T (p.His278Tyr)

Gene: PEX26 (peroxisomal biogenesis factor 26; plus strand). Cytogenetic location: 22q11.21.
Variant type: single nucleotide variant.
Coding change: c.832C>T on transcript NM_001127649.3 (MANE Select); coding-DNA position 832, C replaced by T.
Protein change: p.His278Tyr; replaces histidine 278 with tyrosine.
Molecular consequence: missense variant.
Genome position (GRCh38, 1-based): chr22:18,087,989, C>T. VCF-style: chr22-18087989-C-T. GRCh37 (hg19) VCF-style: chr22-18570755-C-T.
Other names: c.685C>T, p.His229Tyr (NM_001199319.2); c.832C>T, p.His278Tyr (NM_017929.6); short protein forms H229Y, H278Y.
Identifiers: ClinVar variation 2162393 (VCV002162393.2), dbSNP rs1926911750, ClinGen allele CA410269470.